The following is an entry in ClinVar:

NM_001330311.2(DVL1):c.584A>G (p.Asp195Gly)

Gene: DVL1 (dishevelled segment polarity protein 1; minus strand). Cytogenetic location: 1p36.33.
Variant type: single nucleotide variant.
Coding change: c.584A>G on transcript NM_001330311.2 (MANE Select); coding-DNA position 584, A replaced by G.
Protein change: p.Asp195Gly; replaces aspartic acid 195 with glycine.
Molecular consequence: missense variant.
Genome position (GRCh38, 1-based): chr1:1,341,688, T>C on the plus strand (A>G on the coding strand, the complement: DVL1 is on the minus strand). VCF-style: chr1-1341688-T-C. GRCh37 (hg19) VCF-style: chr1-1277068-T-C.
Other names: c.584A>G, p.Asp195Gly (NM_004421.3); c.584A>G (NM_004421.2); short protein forms D195G.
Identifiers: ClinVar variation 2908796 (VCV002908796.6), dbSNP rs758508750, ClinGen allele CA520611.

ClinVar aggregate classification (germline): Conflicting classifications of pathogenicity. Review status: criteria provided, conflicting classifications (1 of 4 stars). 4 submissions from 4 submitters: Uncertain significance (1); Likely benign (3). Last evaluated 2026-08-14.

Conditions:
DVL1-related disorder. Also called: DVL1-related condition.
Inborn genetic diseases. Identifiers: MedGen C0950123, MeSH D030342.
Autosomal dominant Robinow syndrome 2. Identifiers: Orphanet 3107, Orphanet 97360, MedGen C4225363, MONDO:0014591, OMIM 616331.

Allele frequency attached by ClinVar (database versions not stated): gnomAD 0.00001; ExAC 0.00003; gnomAD exomes 0.00003; TOPMed 0.00003.
gnomAD v4.1: 58 of 1,609,024 alleles (0.0036%); highest among the groups gnomAD compares: Middle Eastern, 0.066%; no homozygotes.

Submissions (4):

PreventionGenetics, part of Exact Sciences
Classification: Likely benign for DVL1-related condition. Last evaluated: 2026-08-14. Review status: criteria provided, single submitter. Criteria: ACMG Guidelines, 2015. Collection method: clinical testing. Allele origin: germline.
Comment: This variant is classified as likely benign based on ACMG/AMP sequence variant interpretation guidelines (Richards et al. 2015 PMID: 25741868, with internal and published modifications).

Labcorp Genetics (formerly Invitae), Labcorp
Classification: Likely benign. Last evaluated: 2025-11-19. Review status: criteria provided, single submitter. Criteria: Invitae Variant Classification Sherloc (09022015). Collection method: clinical testing. Allele origin: germline.

Ambry Genetics
Classification: Uncertain significance for Inborn genetic diseases. Last evaluated: 2025-07-31. Review status: criteria provided, single submitter. Criteria: Ambry Variant Classification Scheme 2023. Collection method: clinical testing. Allele origin: germline.

Department of Pathology and Laboratory Medicine, Sinai Health System
Classification: Likely benign for autosomal dominant Robinow syndrome 2. Last evaluated: 2021-10-05. Review status: criteria provided, single submitter. Criteria: ACMG Guidelines, 2015. Collection method: research. Allele origin: germline.